The following is an entry in ClinVar:

ClinVar aggregate classification (germline): Conflicting classifications of pathogenicity. Review status: criteria provided, conflicting classifications (1 of 4 stars). 4 submissions from 4 submitters: Uncertain significance (1); Likely benign (3). Last evaluated 2024-04-12.

Conditions:
Breast-ovarian cancer, familial, susceptibility to, 1 (BROVCA1). Also called: BRCA1 Hereditary Breast and Ovarian Cancer; OVARIAN CANCER, SUSCEPTIBILITY TO. Identifiers: Orphanet 145, MedGen C2676676, MONDO:0011450, OMIM 604370. Disease mechanism: loss of function.
Hereditary breast ovarian cancer syndrome. Also called: Hereditary breast and/or ovarian cancer syndrome; BRCA1- and BRCA2-Associated Hereditary Breast and Ovarian Cancer; Hereditary breast and ovarian cancer syndrome; Hereditary breast and ovarian cancer; Hereditary breast and ovarian cancer syndrome (HBOC); Breast and ovarian cancer. Identifiers: Orphanet 145, MedGen C0677776, MeSH D061325, MONDO:0003582. Disease mechanism: loss of function.
Hereditary cancer-predisposing syndrome. Also called: Tumor predisposition; Hereditary Cancer Syndrome; Hereditary neoplastic syndrome; Neoplastic Syndromes, Hereditary. Identifiers: Orphanet 140162, MedGen C0027672, MeSH D009386, MONDO:0015356.

Allele frequency attached by ClinVar (database versions not stated): gnomAD exomes below 0.00001; TOPMed below 0.00001.
gnomAD v4.1: 1 of 1,613,888 alleles (0.000062%); highest among the groups gnomAD compares: East Asian, 0.0022%; no homozygotes.

Submissions (5):

Lupski Lab, Baylor-Hopkins CMG, Baylor College of Medicine
Classification: Likely benign for Breast-ovarian cancer, familial, susceptibility to, 1. Last evaluated: 2024-04-12. Review status: criteria provided, single submitter. Criteria: Dawood et al. (medRxiv. 2024). Collection method: curation. Allele origin: germline.
Comment: Each variant was annotated with functional scores from MAVE data which was translated into functional evidence codes. All other evidence codes and combining criteria were adhered to as closely as possible based on the ClinGen VCEP (Variant Curation Expert Panel) gene-specific recommendations. See Supplemental Figure 34 of final paper (Supp Fig. 28 in preprint: doi:10.1101/2024.04.11.24305690) for a table to see which lines of evidence we did not have data for. The ClinGen VCEPs are highly regarded as the gold-standard for gene-specific variant curation and are developed after extensive evaluation of the evidence by clinical and scientific experts for the particular gene to classify genomic variants on a spectrum from pathogenic to benign using the 2015 ACMG/AMP Variant Interpretation Guidelines as a backbone (PMID: 25741868). Reclassification of these VUS variants from gnomAD or All of Us focused only on variants originally prescribed as VUS in ClinVar. To ensure reproducibility, transparency, and increased throughput, all the procedures for annotating variants and assigning evidence codes were codified using Python. All code has been made freely available and is linked in the Code Availability section and all reclassified variants with evidence codes used can be found in Tables S18-19 (preprint: doi:10.1101/2024.04.11.24305690). For the MAVE data, the clinical curation and clinical strength assignment as per the ClinGen recommendations in Brnich et al. (2020) (PMID: 31892348) for or against pathogenicity or benignity of each of these MAVE datasets utilized in this study were previously published in Fayer et al. (2021) (PMID: 34793697).In brief, for BRCA1 variants, if a variant was categorized as FUNC (functional), it was assigned BS3 evidence and no PS3 evidence, whereas if it was categorized as LOF (loss of function), the variant was assigned PS3 evidence and no BS3 evidence. Variants categorized as INT (intermediate) were left unannotated. For the BRCA1 combining criteria, greater than or equal to 1 criteria of strong benign evidence was enough to reclassify the VUS as Likely Benign. This variant GRCh38:17:43057047:T>C was assigned evidence codes ['BS3'] and an overall classification of Likely benign

Labcorp Genetics (formerly Invitae), Labcorp
Classification: Uncertain significance for Hereditary breast ovarian cancer syndrome. Last evaluated: 2023-05-27. Review status: criteria provided, single submitter. Criteria: Invitae Variant Classification Sherloc (09022015). Collection method: clinical testing. Allele origin: germline.
Comment: In summary, the available evidence is currently insufficient to determine the role of this variant in disease. Therefore, it has been classified as a Variant of Uncertain Significance. Variants that disrupt the consensus splice site are a relatively common cause of aberrant splicing (PMID: 17576681, 9536098). Algorithms developed to predict the effect of sequence changes on RNA splicing suggest that this variant is not likely to affect RNA splicing. Experimental studies have shown that this variant does not substantially affect BRCA1 function (PMID: 30209399). Algorithms developed to predict the effect of variants on protein structure and function are not available or were not evaluated for this variant. ClinVar contains an entry for this variant (Variation ID: 867311). This variant has not been reported in the literature in individuals affected with BRCA1-related conditions. This variant is not present in population databases (gnomAD no frequency). This sequence change falls in intron 19 of the BRCA1 gene. It does not directly change the encoded amino acid sequence of the BRCA1 protein. It affects a nucleotide within the consensus splice site.

Ambry Genetics
Classification: Likely benign for Hereditary cancer-predisposing syndrome. Last evaluated: 2020-03-23. Review status: criteria provided, single submitter. Criteria: Ambry Variant Classification Scheme 2023. Collection method: clinical testing. Allele origin: germline.

Color Diagnostics, LLC DBA Color Health
Classification: Likely benign for Hereditary cancer-predisposing syndrome. Last evaluated: 2017-03-23. Review status: criteria provided, single submitter. Criteria: ACMG Guidelines, 2015. Collection method: clinical testing. Allele origin: germline.

Brotman Baty Institute, University of Washington
No classification provided (evidence only). Condition: Breast-ovarian cancer, familial 1. Review status: no classification provided. Collection method: in vitro. Allele origin: not applicable. Functional consequence: functionally_normal. Not counted in ClinVar's aggregate classification.
ClinVar note: "not provided" was previously submitted as the classification for the variant. However, the classification appeared to be based only on an observation of functional data so it was converted to no classification on 2025-07-30.

Literature cited by the submitters: PubMed 39142283 (cited by Lupski Lab, Baylor-Hopkins CMG, Baylor College of Medicine); PubMed 34793697 (cited by Lupski Lab, Baylor-Hopkins CMG, Baylor College of Medicine); DOI 10.1101/2024.04.11.24305690 (cited by Lupski Lab, Baylor-Hopkins CMG, Baylor College of Medicine); PubMed 17576681 (cited by Labcorp Genetics (formerly Invitae), Labcorp); PubMed 9536098 (cited by Labcorp Genetics (formerly Invitae), Labcorp); PubMed 30209399 (cited by Labcorp Genetics (formerly Invitae), Labcorp and Ambry Genetics); PubMed 12497638 (cited by Ambry Genetics); PubMed 20638108 (cited by Ambry Genetics).

NM_007294.4(BRCA1):c.5277+5A>G

Gene: BRCA1 (BRCA1 DNA repair associated; minus strand). Cytogenetic location: 17q21.31.
Variant type: single nucleotide variant.
Coding change: c.5277+5A>G on transcript NM_007294.4 (MANE Select); 5 bases into the intron after coding-DNA position 5277, A replaced by G.
Molecular consequence: intron variant.
Genome position (GRCh38, 1-based): chr17:43,057,047, T>C on the plus strand (A>G on the coding strand, the complement: BRCA1 is on the minus strand). VCF-style: chr17-43057047-T-C. GRCh37 (hg19) VCF-style: chr17-41209064-T-C.
Other names: c.1824+5A>G (NM_001408458.1, NM_001408461.1, NM_001408464.1 and 7 more transcripts); c.4386+5A>G (NM_001407967.1); c.4896+5A>G (NM_001407959.1); c.5010+5A>G (NM_001407931.1, NM_001407932.1, NM_001407928.1 and 4 more transcripts); c.5133+5A>G (NM_001407747.1, NM_001407745.1, NM_001407737.1 and 21 more transcripts); c.4893+5A>G (NM_001407962.1, NM_001407960.1); c.1464+5A>G (NM_001408512.1); c.1587+5A>G (NM_001408510.1); and 72 more.
Identifiers: ClinVar variation 867311 (VCV000867311.13), dbSNP rs397509252, ClinGen allele CA913187798.